The following is an entry in ClinVar:

ClinVar aggregate classification (germline): Uncertain significance (1 of 4 stars; one submission).

Conditions:
Familial adenomatous polyposis 1 (FAP1). Also called: POLYPOSIS, ADENOMATOUS INTESTINAL; FAMILIAL ADENOMATOUS POLYPOSIS 1, ATTENUATED. Identifiers: MedGen C2713442, MONDO:0021056, OMIM 175100. Disease mechanism: loss of function.

Submission:

Labcorp Genetics (formerly Invitae), Labcorp
Classification: Uncertain significance for Familial adenomatous polyposis 1. Last evaluated: 2020-04-09. Review status: criteria provided, single submitter. Criteria: Invitae Variant Classification Sherloc (09022015). Collection method: clinical testing. Allele origin: germline.
Comment: This sequence change replaces aspartic acid with glutamic acid at codon 1714 of the APC protein (p.Asp1714Glu). The aspartic acid residue is highly conserved and there is a small physicochemical difference between aspartic acid and glutamic acid. In summary, the available evidence is currently insufficient to determine the role of this variant in disease. Therefore, it has been classified as a Variant of Uncertain Significance. Algorithms developed to predict the effect of missense changes on protein structure and function output the following: SIFT: "Tolerated"; PolyPhen-2: "Benign"; Align-GVGD: "Class C0". The glutamic acid amino acid residue is found in multiple mammalian species, suggesting that this missense change does not adversely affect protein function. These predictions have not been confirmed by published functional studies and their clinical significance is uncertain. This variant has not been reported in the literature in individuals with APC-related conditions. This variant is not present in population databases (ExAC no frequency).

NM_000038.6(APC):c.5142T>A (p.Asp1714Glu)

Gene: APC (APC regulator of Wnt signaling pathway; plus strand). Cytogenetic location: 5q22.2.
Variant type: single nucleotide variant.
Coding change: c.5142T>A on transcript NM_000038.6 (MANE Select); coding-DNA position 5142, T replaced by A.
Protein change: p.Asp1714Glu; replaces aspartic acid 1714 with glutamic acid.
Molecular consequence: missense variant.
Genome position (GRCh38, 1-based): chr5:112,840,736, T>A. VCF-style: chr5-112840736-T-A. GRCh37 (hg19) VCF-style: chr5-112176433-T-A.
Other names: c.5142T>A, p.Asp1714Glu (NM_001127510.3, NM_001354895.2); c.5088T>A, p.Asp1696Glu (NM_001127511.3); c.5196T>A, p.Asp1732Glu (NM_001354896.2); c.5172T>A, p.Asp1724Glu (NM_001354897.2); c.5067T>A, p.Asp1689Glu (NM_001354898.2); c.5058T>A, p.Asp1686Glu (NM_001354899.2); c.5019T>A, p.Asp1673Glu (NM_001354900.2); c.4965T>A, p.Asp1655Glu (NM_001354901.2); and 5 more; short protein forms D1613E, D1655E, D1686E, D1689E, D1714E, D1732E, D1431E, D1696E.
Identifiers: ClinVar variation 951071 (VCV000951071.11), dbSNP rs1765857302, ClinGen allele CA16032566.